The following is an entry in ClinVar:

NM_004415.4(DSP):c.3125G>A (p.Arg1042Lys)

Gene: DSP (desmoplakin; plus strand). Cytogenetic location: 6p24.3.
Variant type: single nucleotide variant.
Coding change: c.3125G>A on transcript NM_004415.4 (MANE Select); coding-DNA position 3125, G replaced by A.
Protein change: p.Arg1042Lys; replaces arginine 1042 with lysine.
Molecular consequence: missense variant.
Genome position (GRCh38, 1-based): chr6:7,579,315, G>A. VCF-style: chr6-7579315-G-A. GRCh37 (hg19) VCF-style: chr6-7579548-G-A.
Other names: c.3125G>A, p.Arg1042Lys (NM_001008844.3, NM_001319034.2); short protein forms R1042K.
Identifiers: ClinVar variation 3894126 (VCV003894126.1).

ClinVar aggregate classification (germline): Uncertain significance (1 of 4 stars; one submission).

Conditions:
Cardiomyopathy (CMYO). Also called: Cardiomyopathies. Identifiers: Orphanet 167848, MedGen C0878544, MONDO:0004994, HP:0001638. Inheritance: Various modes of inheritance.

Submission:

Color Diagnostics, LLC DBA Color Health
Classification: Uncertain significance for Cardiomyopathy. Last evaluated: 2024-10-20. Review status: criteria provided, single submitter. Criteria: ACMG Guidelines, 2015. Collection method: clinical testing. Allele origin: germline.
Comment: This missense variant replaces arginine with lysine at codon 1042 of the DSP protein. Computational prediction suggests that this variant may not impact protein structure and function (internally defined REVEL score threshold <= 0.5, PMID: 27666373). To our knowledge, functional studies have not been reported for this variant. This variant has not been reported in individuals affected with DSP-related disorders in the literature. This variant has not been identified in the general population by the Genome Aggregation Database (gnomAD). The available evidence is insufficient to determine the role of this variant in disease conclusively. Therefore, this variant is classified as a Variant of Uncertain Significance.